The following is an entry in ClinVar:

NM_000059.4(BRCA2):c.3832C>A (p.His1278Asn)

Gene: BRCA2 (BRCA2 DNA repair associated; plus strand). Cytogenetic location: 13q13.1.
Variant type: single nucleotide variant.
Coding change: c.3832C>A on transcript NM_000059.4 (MANE Select); coding-DNA position 3832, C replaced by A.
Protein change: p.His1278Asn; replaces histidine 1278 with asparagine.
Molecular consequence: missense variant.
Genome position (GRCh38, 1-based): chr13:32,338,187, C>A. VCF-style: chr13-32338187-C-A. GRCh37 (hg19) VCF-style: chr13-32912324-C-A.
Other names: short protein forms H1278N.
Identifiers: ClinVar variation 483098 (VCV000483098.17), dbSNP rs1555283417, ClinGen allele CA387778536.

ClinVar aggregate classification (germline): Conflicting classifications of pathogenicity. Review status: criteria provided, conflicting classifications (1 of 4 stars). 4 submissions from 4 submitters: Uncertain significance (3); Likely benign (1). Last evaluated 2025-12-30.

Conditions:
Hereditary cancer-predisposing syndrome. Also called: Neoplastic Syndromes, Hereditary; Tumor predisposition; Hereditary Cancer Syndrome; Hereditary neoplastic syndrome. Identifiers: Orphanet 140162, MedGen C0027672, MeSH D009386, MONDO:0015356.
Hereditary breast ovarian cancer syndrome. Also called: Hereditary breast and ovarian cancer syndrome; Hereditary breast and ovarian cancer; Hereditary breast and ovarian cancer syndrome (HBOC); Breast and ovarian cancer; Hereditary breast and/or ovarian cancer syndrome; BRCA1- and BRCA2-Associated Hereditary Breast and Ovarian Cancer. Identifiers: Orphanet 145, MedGen C0677776, MeSH D061325, MONDO:0003582. Disease mechanism: loss of function.

Allele frequency attached by ClinVar (database versions not stated): gnomAD below 0.00001 and 0.00001; gnomAD exomes below 0.00001.
gnomAD v4.1: 3 of 1,563,584 alleles (0.00019%); highest among the groups gnomAD compares: South Asian, 0.0024%; no homozygotes.

Submissions (4):

Labcorp Genetics (formerly Invitae), Labcorp
Classification: Uncertain significance for Hereditary breast ovarian cancer syndrome. Last evaluated: 2025-12-30. Review status: criteria provided, single submitter. Criteria: Invitae Variant Classification Sherloc (09022015). Collection method: clinical testing. Allele origin: germline.
Comment: This sequence change replaces histidine, which is basic and polar, with asparagine, which is neutral and polar, at codon 1278 of the BRCA2 protein (p.His1278Asn). This variant is not present in population databases (gnomAD no frequency). This variant has not been reported in the literature in individuals affected with BRCA2-related conditions. ClinVar contains an entry for this variant (Variation ID: 483098). Invitae Evidence Modeling of protein sequence and biophysical properties (such as structural, functional, and spatial information, amino acid conservation, physicochemical variation, residue mobility, and thermodynamic stability) indicates that this missense variant is not expected to disrupt BRCA2 protein function with a negative predictive value of 95%. In summary, the available evidence is currently insufficient to determine the role of this variant in disease. Therefore, it has been classified as a Variant of Uncertain Significance.

Ambry Genetics
Classification: Uncertain significance for Hereditary cancer-predisposing syndrome. Last evaluated: 2025-03-20. Review status: criteria provided, single submitter. Criteria: Ambry Variant Classification Scheme 2023. Collection method: clinical testing. Allele origin: germline.
Comment: The p.H1278N variant (also known as c.3832C>A), located in coding exon 10 of the BRCA2 gene, results from a C to A substitution at nucleotide position 3832. The histidine at codon 1278 is replaced by asparagine, an amino acid with similar properties. This amino acid position is poorly conserved in available vertebrate species. In addition, this alteration is predicted to be tolerated by in silico analysis. Since supporting evidence is limited at this time, the clinical significance of this variant remains unclear.

Quest Diagnostics Nichols Institute San Juan Capistrano
Classification: Uncertain significance. Last evaluated: 2023-10-25. Review status: criteria provided, single submitter. Criteria: Quest Diagnostics criteria. Collection method: clinical testing. Allele origin: unknown.
Comment: The BRCA2 c.3832C>A (p.His1278Asn) variant has been reported in the published literature to be located in a region of the BRCA2 gene that is tolerant to missense sequence changes (PMID: 31911673 (2020)). To the best of our knowledge, this variant has not been reported in individuals with BRCA2-related disorders. This variant has not been reported in large, multi-ethnic general populations (Genome Aggregation Database). Analysis of this variant using bioinformatics tools for the prediction of the effect of amino acid changes on protein structure and function yielded predictions that this variant is benign. Based on the available information, we are unable to determine the clinical significance of this variant.

University of Washington Department of Laboratory Medicine, University of Washington
Classification: Likely benign for Hereditary cancer-predisposing syndrome. Last evaluated: 2023-03-23. Review status: criteria provided, single submitter. Criteria: Dines et al. (Genet Med. 2020). Collection method: curation. Allele origin: germline.
Comment: Missense variant in a coldspot region where missense variants are very unlikely to be pathogenic (PMID:31911673).

BRCA2 exon 11 coldspot. Reclassification based on statistical prior probability.

Literature cited by the submitters: PubMed 31911673 (cited by Quest Diagnostics Nichols Institute San Juan Capistrano).